The following is an entry in ClinVar:

ClinVar aggregate classification (germline): Conflicting classifications of pathogenicity. Review status: criteria provided, conflicting classifications (1 of 4 stars). 3 submissions from 3 submitters: Uncertain significance (1); Likely benign (2). Last evaluated 2026-01-07.

Conditions:
PLEC-related disorder. Also called: PLEC-related condition; PLEC-related disorders.
Epidermolysis bullosa simplex 5B, with muscular dystrophy (EBS5B). Also called: EPIDERMOLYSIS BULLOSA SIMPLEX AND LIMB-GIRDLE MUSCULAR DYSTROPHY; Epidermolysis bullosa simplex with muscular dystrophy. Identifiers: Orphanet 257, MedGen C2931072, MONDO:0009181, OMIM 226670.
Epidermolysis bullosa simplex, Ogna type (EBS5A). Also called: Pidermolysis bullosa simplex 5A, Ogna type; EPIDERMOLYSIS BULLOSA SIMPLEX 5A, OGNA TYPE. Identifiers: Orphanet 79401, MedGen C0432317, MONDO:0007555, OMIM 131950.
Autosomal recessive limb-girdle muscular dystrophy type 2Q (LGMDR17). Also called: MUSCULAR DYSTROPHY, LIMB-GIRDLE, AUTOSOMAL RECESSIVE 17. Identifiers: Orphanet 254361, MedGen C3150989, MONDO:0013390, OMIM 613723.
Epidermolysis bullosa simplex with nail dystrophy (EBS5D). Identifiers: MedGen C4225309, MONDO:0014661, OMIM 616487.
Epidermolysis bullosa simplex 5C, with pyloric atresia (EBS5C). Also called: PLEC-Related Epidermolysis Bullosa with Pyloric Atresia; Epidermolysis bullosa simplex with pyloric atresia; PLEC1-Related Epidermolysis Bullosa with Pyloric Atresia. Identifiers: Orphanet 158684, MedGen C2677349, MONDO:0012807, OMIM 612138.

Allele frequency attached by ClinVar (database versions not stated): gnomAD 0.00012 and 0.00014; gnomAD exomes 0.00013; ESP Exome Variant Server 0.00017; TOPMed 0.00017; ExAC 0.00010.
gnomAD v4.1: 69 of 1,598,486 alleles (0.0043%); highest among the groups gnomAD compares: African/African-American, 0.044%; no homozygotes.

Submissions (3):

PreventionGenetics, part of Exact Sciences
Classification: Likely benign for PLEC-related condition. Last evaluated: 2026-01-07. Review status: criteria provided, single submitter. Criteria: ACMG Guidelines, 2015. Collection method: clinical testing. Allele origin: germline.
Comment: This variant is classified as likely benign based on ACMG/AMP sequence variant interpretation guidelines (Richards et al. 2015 PMID: 25741868, with internal and published modifications).

Labcorp Genetics (formerly Invitae), Labcorp
Classification: Likely benign for Autosomal recessive limb-girdle muscular dystrophy type 2Q; Epidermolysis bullosa simplex, Ogna type; Epidermolysis bullosa simplex with nail dystrophy; Epidermolysis bullosa simplex 5C, with pyloric atresia; Epidermolysis bullosa simplex 5B, with muscular dystrophy. Last evaluated: 2025-08-07. Review status: criteria provided, single submitter. Criteria: Invitae Variant Classification Sherloc (09022015). Collection method: clinical testing. Allele origin: germline.

Eurofins Ntd Llc (ga)
Classification: Uncertain significance. Last evaluated: 2015-02-23. Review status: criteria provided, single submitter. Criteria: EGL Classification Definitions 2015. Collection method: clinical testing. Allele origin: germline. Observed: 3 variant alleles, 3 heterozygotes.

NM_201384.3(PLEC):c.9567G>A (p.Pro3189=)

Gene: PLEC (plectin; minus strand). Cytogenetic location: 8q24.3.
Variant type: single nucleotide variant.
Coding change: c.9567G>A on transcript NM_201384.3 (MANE Select); coding-DNA position 9567, G replaced by A.
Protein change: p.Pro3189=; no amino-acid change (proline 3189 retained).
Molecular consequence: synonymous variant.
Genome position (GRCh38, 1-based): chr8:143,920,254, C>T on the plus strand (G>A on the coding strand, the complement: PLEC is on the minus strand). VCF-style: chr8-143920254-C-T. GRCh37 (hg19) VCF-style: chr8-144994422-C-T.
Other names: c.9648G>A, p.Pro3216= (NM_000445.5); c.9525G>A, p.Pro3175= (NM_201378.4); c.9501G>A, p.Pro3167= (NM_201379.3); c.9978G>A, p.Pro3326= (NM_201380.4); c.9471G>A, p.Pro3157= (NM_201381.3); c.9567G>A, p.Pro3189= (NM_201382.4); c.9579G>A, p.Pro3193= (NM_201383.3); c.9648G>A (NM_000445.4).
Identifiers: ClinVar variation 196838 (VCV000196838.14), dbSNP rs367761849, ClinGen allele CA244442.